The following is an entry in ClinVar:

ClinVar aggregate classification (germline): Uncertain significance. Review status: criteria provided, multiple submitters, no conflicts (2 of 4 stars). 3 submissions from 3 submitters: Uncertain significance (3). Last evaluated 2026-01-24.

Conditions:
SLC17A8-related disorder. Also called: SLC17A8-related condition.

Allele frequency attached by ClinVar (database versions not stated): gnomAD exomes below 0.00001 and 0.00001; gnomAD 0.00001 and 0.00002; TOPMed 0.00003; ESP Exome Variant Server 0.00008.
gnomAD v4.1: 4 of 1,613,866 alleles (0.00025%); highest among the groups gnomAD compares: Admixed American, 0.0033%; no homozygotes.

Submissions (3):

Labcorp Genetics (formerly Invitae), Labcorp
Classification: Uncertain significance. Last evaluated: 2026-01-24. Review status: criteria provided, single submitter. Criteria: Invitae Variant Classification Sherloc (09022015). Collection method: clinical testing. Allele origin: germline.
Comment: This sequence change replaces phenylalanine, which is neutral and non-polar, with valine, which is neutral and non-polar, at codon 539 of the SLC17A8 protein (p.Phe539Val). This variant is present in population databases (rs372802080, gnomAD 0.007%). This variant has not been reported in the literature in individuals affected with SLC17A8-related conditions. ClinVar contains an entry for this variant (Variation ID: 1387898). An algorithm developed to predict the effect of missense changes on protein structure and function (PolyPhen-2) suggests that this variant is likely to be tolerated. In summary, the available evidence is currently insufficient to determine the role of this variant in disease. Therefore, it has been classified as a Variant of Uncertain Significance.

GeneDx
Classification: Uncertain significance. Last evaluated: 2025-04-27. Review status: criteria provided, single submitter. Criteria: GeneDx Variant Classification Process June 2021. Collection method: clinical testing. Allele origin: germline. Affected: yes.
Comment: In silico analysis indicates that this missense variant does not alter protein structure/function; Has not been previously published as pathogenic or benign to our knowledge

PreventionGenetics, part of Exact Sciences
Classification: Uncertain significance for SLC17A8-related condition. Last evaluated: 2024-12-19. Review status: criteria provided, single submitter. Criteria: ACMG Guidelines, 2015. Collection method: clinical testing. Allele origin: germline.
Comment: The SLC17A8 c.1615T>G variant is predicted to result in the amino acid substitution p.Phe539Val. To our knowledge, this variant has not been reported in the literature. This variant is reported in 0.0062% of alleles in individuals of African descent in gnomAD. At this time, the clinical significance of this variant is uncertain due to the absence of conclusive functional and genetic evidence.

NM_139319.3(SLC17A8):c.1615T>G (p.Phe539Val)

Gene: SLC17A8 (solute carrier family 17 member 8; plus strand). Cytogenetic location: 12q23.1.
Variant type: single nucleotide variant.
Coding change: c.1615T>G on transcript NM_139319.3 (MANE Select); coding-DNA position 1615, T replaced by G.
Protein change: p.Phe539Val; replaces phenylalanine 539 with valine.
Molecular consequence: missense variant.
Genome position (GRCh38, 1-based): chr12:100,420,004, T>G. VCF-style: chr12-100420004-T-G. GRCh37 (hg19) VCF-style: chr12-100813782-T-G.
Other names: c.1465T>G, p.Phe489Val (NM_001145288.2); c.1615T>G (NM_139319.2); short protein forms F489V, F539V.
Identifiers: ClinVar variation 1387898 (VCV001387898.10), dbSNP rs372802080, ClinGen allele CA242351005.